The following is an entry in ClinVar:

ClinVar aggregate classification (germline): Uncertain significance. Review status: criteria provided, multiple submitters, no conflicts (2 of 4 stars). 3 submissions from 3 submitters: Uncertain significance (3). Last evaluated 2024-02-27.

Conditions:
Classic or attenuated familial adenomatous polyposis. Identifiers: MedGen CN372698, MONDO:0021057.
Hereditary cancer-predisposing syndrome. Also called: Neoplastic Syndromes, Hereditary; Hereditary Cancer Syndrome; Tumor predisposition; Hereditary neoplastic syndrome. Identifiers: Orphanet 140162, MedGen C0027672, MeSH D009386, MONDO:0015356.
Familial adenomatous polyposis 1 (FAP1). Also called: FAMILIAL ADENOMATOUS POLYPOSIS 1, ATTENUATED; POLYPOSIS, ADENOMATOUS INTESTINAL. Identifiers: MedGen C2713442, MONDO:0021056, OMIM 175100. Disease mechanism: loss of function.

Submissions (3):

Ambry Genetics
Classification: Uncertain significance for Hereditary cancer-predisposing syndrome. Last evaluated: 2024-02-27. Review status: criteria provided, single submitter. Criteria: Ambry Variant Classification Scheme 2023. Collection method: clinical testing. Allele origin: germline.
Comment: The p.P2806S variant (also known as c.8416C>T), located in coding exon 15 of the APC gene, results from a C to T substitution at nucleotide position 8416. The proline at codon 2806 is replaced by serine, an amino acid with similar properties. This amino acid position is highly conserved in available vertebrate species. Based on the available evidence, the clinical significance of this alteration remains unclear.

All of Us Research Program, National Institutes of Health
Classification: Uncertain significance for Classic or attenuated familial adenomatous polyposis. Last evaluated: 2023-12-18. Review status: criteria provided, single submitter. Criteria: ACMG Guidelines, 2015. Collection method: clinical testing. Allele origin: germline. Inheritance: Autosomal dominant inheritance. Observed: 1 variant allele, 1 heterozygote.
Comment: This missense variant replaces proline with serine at codon 2806 of the APC protein. Computational prediction is inconclusive regarding the impact of this variant on protein structure and function (internally defined REVEL score threshold 0.5 < inconclusive < 0.7, PMID: 27666373). To our knowledge, functional studies have not been reported for this variant. This variant has not been reported in individuals affected with APC-related disorders in the literature. This variant has not been identified in the general population by the Genome Aggregation Database (gnomAD). The available evidence is insufficient to determine the role of this variant in disease conclusively. Therefore, this variant is classified as a Variant of Uncertain Significance.

This study involves interpretation of variants in research participants for the purpose of population health screening. Participant phenotype was not available at the time of variant classification. Additional details can be found in publication PMID: 35346344, PMCID: PMC8962531

Labcorp Genetics (formerly Invitae), Labcorp
Classification: Uncertain significance for Familial adenomatous polyposis 1. Last evaluated: 2020-12-20. Review status: criteria provided, single submitter. Criteria: Invitae Variant Classification Sherloc (09022015). Collection method: clinical testing. Allele origin: germline.
Comment: This variant has not been reported in the literature in individuals with APC-related conditions. Algorithms developed to predict the effect of missense changes on protein structure and function are either unavailable or do not agree on the potential impact of this missense change (SIFT: "Deleterious"; PolyPhen-2: "Probably Damaging"; Align-GVGD: "Class C0"). In summary, the available evidence is currently insufficient to determine the role of this variant in disease. Therefore, it has been classified as a Variant of Uncertain Significance. This variant is not present in population databases (ExAC no frequency). This sequence change replaces proline with serine at codon 2806 of the APC protein (p.Pro2806Ser). The proline residue is highly conserved and there is a moderate physicochemical difference between proline and serine.

NM_000038.6(APC):c.8416C>T (p.Pro2806Ser)

Gene: APC (APC regulator of Wnt signaling pathway; plus strand). Cytogenetic location: 5q22.2.
Variant type: single nucleotide variant.
Coding change: c.8416C>T on transcript NM_000038.6 (MANE Select); coding-DNA position 8416, C replaced by T.
Protein change: p.Pro2806Ser; replaces proline 2806 with serine.
Molecular consequence: missense variant.
Genome position (GRCh38, 1-based): chr5:112,844,010, C>T. VCF-style: chr5-112844010-C-T. GRCh37 (hg19) VCF-style: chr5-112179707-C-T.
Other names: c.8416C>T, p.Pro2806Ser (NM_001127510.3, NM_001354895.2); c.8362C>T, p.Pro2788Ser (NM_001127511.3); c.8470C>T, p.Pro2824Ser (NM_001354896.2); c.8446C>T, p.Pro2816Ser (NM_001354897.2); c.8341C>T, p.Pro2781Ser (NM_001354898.2); c.8332C>T, p.Pro2778Ser (NM_001354899.2); c.8293C>T, p.Pro2765Ser (NM_001354900.2); c.8239C>T, p.Pro2747Ser (NM_001354901.2); and 6 more; short protein forms P2646S, P2705S, P2765S, P2778S, P2680S, P2824S, P2715S, P2747S.
Identifiers: ClinVar variation 1474972 (VCV001474972.10), dbSNP rs587780608, ClinGen allele CA16039593.